The following is an entry in ClinVar:

NM_000186.4(CFH):c.1612G>C (p.Asp538His)

Gene: CFH (complement factor H; plus strand). Cytogenetic location: 1q31.3.
Variant type: single nucleotide variant.
Coding change: c.1612G>C on transcript NM_000186.4 (MANE Select); coding-DNA position 1612, G replaced by C.
Protein change: p.Asp538His; replaces aspartic acid 538 with histidine.
Molecular consequence: missense variant.
Genome position (GRCh38, 1-based): chr1:196,715,685, G>C. VCF-style: chr1-196715685-G-C. GRCh37 (hg19) VCF-style: chr1-196684815-G-C.
Other names: short protein forms D538H.
Identifiers: ClinVar variation 871210 (VCV000871210.49), dbSNP rs778051521, ClinGen allele CA1305446.

ClinVar aggregate classification (germline): Uncertain significance. Review status: criteria provided, multiple submitters, no conflicts (2 of 4 stars). 7 submissions from 4 submitters: Uncertain significance (7). Last evaluated 2023-04-11.

Conditions:
Hemolytic uremic syndrome, atypical, susceptibility to, 1. Also called: AHUS, SUSCEPTIBILITY TO, 1. Identifiers: Orphanet 2134, Orphanet 90038, MedGen C2749604, MONDO:0009335, OMIM 235400. Disease mechanism: Other.
Basal laminar drusen. Also called: DRUSEN OF BRUCH MEMBRANE; DRUSEN, CUTICULAR; DRUSEN, EARLY ADULT-ONSET, GROUPED. Identifiers: Orphanet 75376, MedGen C0730295, MONDO:0007472, OMIM 126700.
Age related macular degeneration 4. Identifiers: MedGen C1853147, MONDO:0012540, OMIM 610698.
Factor H deficiency (CFHD). Also called: COMPLEMENT FACTOR H DEFICIENCY; CFH DEFICIENCY. Identifiers: Orphanet 200421, MedGen C0398777, MONDO:0012350, OMIM 609814.

Allele frequency attached by ClinVar (database versions not stated): gnomAD exomes 0.00001; ExAC 0.00002.
gnomAD v4.1: 9 of 1,612,906 alleles (0.00056%); highest among the groups gnomAD compares: South Asian, 0.0099%; no homozygotes.

Submissions (7):

Genome-Nilou Lab
Classification: Uncertain significance for Hemolytic uremic syndrome, atypical, susceptibility to, 1. Last evaluated: 2023-04-11. Review status: criteria provided, single submitter. Criteria: ACMG Guidelines, 2015. Collection method: clinical testing. Allele origin: germline. Affected: no.

Genome-Nilou Lab
Classification: Uncertain significance for Age related macular degeneration 4. Last evaluated: 2023-04-11. Review status: criteria provided, single submitter. Criteria: ACMG Guidelines, 2015. Collection method: clinical testing. Allele origin: germline. Affected: no.

Genome-Nilou Lab
Classification: Uncertain significance for Basal laminar drusen. Last evaluated: 2023-04-11. Review status: criteria provided, single submitter. Criteria: ACMG Guidelines, 2015. Collection method: clinical testing. Allele origin: germline. Affected: no.

Genome-Nilou Lab
Classification: Uncertain significance for Factor H deficiency. Last evaluated: 2023-04-11. Review status: criteria provided, single submitter. Criteria: ACMG Guidelines, 2015. Collection method: clinical testing. Allele origin: germline. Affected: no.

Labcorp Genetics (formerly Invitae), Labcorp
Classification: Uncertain significance. Last evaluated: 2022-09-05. Review status: criteria provided, single submitter. Criteria: Invitae Variant Classification Sherloc (09022015). Collection method: clinical testing. Allele origin: germline.
Comment: This variant has not been reported in the literature in individuals affected with CFH-related conditions. This variant is present in population databases (rs778051521, gnomAD 0.01%). This sequence change replaces aspartic acid, which is acidic and polar, with histidine, which is basic and polar, at codon 538 of the CFH protein (p.Asp538His). ClinVar contains an entry for this variant (Variation ID: 871210). In summary, the available evidence is currently insufficient to determine the role of this variant in disease. Therefore, it has been classified as a Variant of Uncertain Significance. Algorithms developed to predict the effect of missense changes on protein structure and function are either unavailable or do not agree on the potential impact of this missense change (SIFT: "Deleterious"; PolyPhen-2: "Possibly Damaging"; Align-GVGD: "Class C0").

Fulgent Genetics
Classification: Uncertain significance for Basal laminar drusen; Hemolytic uremic syndrome, atypical, susceptibility to, 1; Factor H deficiency; Age related macular degeneration 4. Last evaluated: 2022-03-26. Review status: criteria provided, single submitter. Criteria: ACMG Guidelines, 2015. Collection method: clinical testing. Allele origin: unknown.

CeGaT Center for Human Genetics Tuebingen
Classification: Uncertain significance. Last evaluated: 2019-07-01. Review status: criteria provided, single submitter. Criteria: CeGaT Center For Human Genetics Tuebingen Variant Classification Criteria Version 2. Collection method: clinical testing. Allele origin: germline. Affected: yes. Observed: 1 variant allele.